The following is an entry in ClinVar:

NM_017950.4(CCDC40):c.2801G>A (p.Arg934Gln)

Gene: CCDC40 (coiled-coil domain 40 molecular ruler complex subunit; plus strand). Cytogenetic location: 17q25.3.
Variant type: single nucleotide variant.
Coding change: c.2801G>A on transcript NM_017950.4 (MANE Select); coding-DNA position 2801, G replaced by A.
Protein change: p.Arg934Gln; replaces arginine 934 with glutamine.
Molecular consequence: missense variant.
Genome position (GRCh38, 1-based): chr17:80,089,853, G>A. VCF-style: chr17-80089853-G-A. GRCh37 (hg19) VCF-style: chr17-78063652-G-A.
Other names: c.2801G>A, p.Arg934Gln (NM_001243342.2); short protein forms R934Q.
Identifiers: ClinVar variation 863686 (VCV000863686.10), dbSNP rs143374313, ClinGen allele CA8814349.

ClinVar aggregate classification (germline): Uncertain significance. Review status: criteria provided, multiple submitters, no conflicts (2 of 4 stars). 2 submissions from 2 submitters: Uncertain significance (2). Last evaluated 2025-01-06.

Conditions:
Primary ciliary dyskinesia. Also called: Ciliary dyskinesia. Identifiers: Orphanet 244, MedGen C0008780, MONDO:0016575, HP:0012265.

Allele frequency attached by ClinVar (database versions not stated): ESP Exome Variant Server 0.00041; TOPMed 0.00051; 1000 Genomes Project 30x 0.00078; 1000 Genomes Project 0.00080.
gnomAD v4.1: 129 of 1,614,238 alleles (0.008%); highest among the groups gnomAD compares: African/African-American, 0.11%; no homozygotes.

Submissions (2):

Labcorp Genetics (formerly Invitae), Labcorp
Classification: Uncertain significance for Primary ciliary dyskinesia. Last evaluated: 2025-01-06. Review status: criteria provided, single submitter. Criteria: Invitae Variant Classification Sherloc (09022015). Collection method: clinical testing. Allele origin: germline.
Comment: This sequence change replaces arginine, which is basic and polar, with glutamine, which is neutral and polar, at codon 934 of the CCDC40 protein (p.Arg934Gln). This variant is present in population databases (rs143374313, gnomAD 0.1%). This variant has not been reported in the literature in individuals affected with CCDC40-related conditions. ClinVar contains an entry for this variant (Variation ID: 863686). Invitae Evidence Modeling of protein sequence and biophysical properties (such as structural, functional, and spatial information, amino acid conservation, physicochemical variation, residue mobility, and thermodynamic stability) indicates that this missense variant is not expected to disrupt CCDC40 protein function with a negative predictive value of 80%. In summary, the available evidence is currently insufficient to determine the role of this variant in disease. Therefore, it has been classified as a Variant of Uncertain Significance.

Ambry Genetics
Classification: Uncertain significance for Primary ciliary dyskinesia. Last evaluated: 2019-07-30. Review status: criteria provided, single submitter. Criteria: Ambry Variant Classification Scheme 2023. Collection method: clinical testing. Allele origin: germline.
Comment: The p.R934Q variant (also known as c.2801G>A), located in coding exon 17 of the CCDC40 gene, results from a G to A substitution at nucleotide position 2801. The arginine at codon 934 is replaced by glutamine, an amino acid with highly similar properties. This amino acid position is not well conserved in available vertebrate species. In addition, this alteration is predicted to be tolerated by in silico analysis. Since supporting evidence is limited at this time, the clinical significance of this alteration remains unclear.